The following is an entry in ClinVar:

ClinVar aggregate classification (germline): Conflicting classifications of pathogenicity. Review status: criteria provided, conflicting classifications (1 of 4 stars). 4 submissions from 3 submitters: Uncertain significance (2); Likely benign (1). 1 of the submissions does not count toward it. Last evaluated 2023-03-18.

Conditions:
Maturity-onset diabetes of the young (MODY). Also called: Maturity onset diabetes mellitus in young. Identifiers: Orphanet 552, MedGen C0342276, MONDO:0018911, HP:0004904.
Transitory neonatal diabetes mellitus. Also called: Transient neonatal diabetes mellitus. Identifiers: MedGen C0342273, MONDO:0020525, HP:0008255.
Hereditary hyperinsulinism.

Allele frequency attached by ClinVar (database versions not stated): gnomAD exomes below 0.00001.
gnomAD v4.1: 2 of 1,610,752 alleles (0.00012%); highest among the groups gnomAD compares: Non-Finnish European, 0.00017%; no homozygotes.

Submissions (4):

Labcorp Genetics (formerly Invitae), Labcorp
Classification: Likely benign. Last evaluated: 2023-03-18. Review status: criteria provided, single submitter. Criteria: Invitae Variant Classification Sherloc (09022015). Collection method: clinical testing. Allele origin: germline.

Clinical Genomics, Uppaluri K&H Personalized Medicine Clinic
Classification: Uncertain significance for Transitory neonatal diabetes mellitus. Review status: criteria provided, single submitter. Criteria: K & H Uppaluri Personalized Medicine Clinic Variant Classification & Assertion Criteria_Updated V.1. Collection method: research. Allele origin: unknown. Inheritance: Somatic mutation.
Comment: Mutations in ABCC8 gene are associated with both neonatal diabetes mellitus as well as MODY. Patients with this mutation may have a better response to sulfonylureas. However, no sufficient evidence is found to ascertain the role of this particular variant (rs1955020359) in neonatal diabetes yet.

Clinical Genomics, Uppaluri K&H Personalized Medicine Clinic
Classification: Uncertain significance for Maturity-onset diabetes of the young. Review status: criteria provided, single submitter. Criteria: K & H Uppaluri Personalized Medicine Clinic Variant Classification & Assertion Criteria_Updated V.1. Collection method: research. Allele origin: unknown. Inheritance: Somatic mutation.
Comment: Mutations in ABCC8 gene are associated with both neonatal diabetes mellitus as well as MODY. Patients with this mutation may have a better response to sulfonylureas. However, no sufficient evidence is found to ascertain the role of this particular variant (rs1955020359) in MODY yet.

Natera, Inc.
Classification: Uncertain significance for Hereditary hyperinsulinism. Last evaluated: 2020-04-10. Review status: no assertion criteria provided. Collection method: clinical testing. Allele origin: germline. Not counted in ClinVar's aggregate classification.

Literature cited by the submitters: PubMed 16885549 (cited by Clinical Genomics, Uppaluri K&H Personalized Medicine Clinic); PubMed 21989597 (cited by Clinical Genomics, Uppaluri K&H Personalized Medicine Clinic); PubMed 27538677 (cited by Clinical Genomics, Uppaluri K&H Personalized Medicine Clinic); PubMed 18981553 (cited by Clinical Genomics, Uppaluri K&H Personalized Medicine Clinic); PubMed 32027066 (cited by Clinical Genomics, Uppaluri K&H Personalized Medicine Clinic); PubMed 16613899 (cited by Clinical Genomics, Uppaluri K&H Personalized Medicine Clinic); PubMed 18025408 (cited by Clinical Genomics, Uppaluri K&H Personalized Medicine Clinic); PubMed 32792356 (cited by Clinical Genomics, Uppaluri K&H Personalized Medicine Clinic).

NM_000352.6(ABCC8):c.2259A>G (p.Pro753=)

Gene: ABCC8 (ATP binding cassette subfamily C member 8; minus strand). Cytogenetic location: 11p15.1.
Variant type: single nucleotide variant.
Coding change: c.2259A>G on transcript NM_000352.6 (MANE Select); coding-DNA position 2259, A replaced by G.
Protein change: p.Pro753=; no amino-acid change (proline 753 retained).
Molecular consequence: synonymous variant. On other transcripts: non-coding transcript variant (1).
Genome position (GRCh38, 1-based): chr11:17,415,336, T>C on the plus strand (A>G on the coding strand, the complement: ABCC8 is on the minus strand). VCF-style: chr11-17415336-T-C. GRCh37 (hg19) VCF-style: chr11-17436883-T-C.
Other names: c.2262A>G, p.Pro754= (NM_001287174.3); c.2325A>G, p.Pro775= (NM_001351295.2); c.2259A>G, p.Pro753= (NM_001351296.2); c.2256A>G, p.Pro752= (NM_001351297.2).
Identifiers: ClinVar variation 990405 (VCV000990405.6), dbSNP rs1955020359, ClinGen allele CA473301754.